The following is an entry in ClinVar:

ClinVar aggregate classification (germline): Uncertain significance (1 of 4 stars; one submission).

Submission:

GeneDx
Classification: Uncertain significance. Last evaluated: 2025-04-07. Review status: criteria provided, single submitter. Criteria: GeneDx Variant Classification Process June 2021. Collection method: clinical testing. Allele origin: germline. Affected: yes.
Comment: Not observed at significant frequency in large population cohorts (gnomAD); In silico analysis indicates that this missense variant does not alter protein structure/function; Has not been previously published as pathogenic or benign to our knowledge

NM_020795.4(NLGN2):c.1963C>A (p.Pro655Thr)

Gene: NLGN2 (neuroligin 2; plus strand). Cytogenetic location: 17p13.1.
Variant type: single nucleotide variant.
Coding change: c.1963C>A on transcript NM_020795.4 (MANE Select); coding-DNA position 1963, C replaced by A.
Protein change: p.Pro655Thr; replaces proline 655 with threonine.
Molecular consequence: missense variant.
Genome position (GRCh38, 1-based): chr17:7,417,254, C>A. VCF-style: chr17-7417254-C-A. GRCh37 (hg19) VCF-style: chr17-7320573-C-A.
Other names: short protein forms P655T.
Identifiers: ClinVar variation 1342806 (VCV001342806.3), dbSNP rs1223733595, ClinGen allele CA397833033.
Genomic context (GRCh38, chr17:7,417,254, plus strand): 5'-GCTGGCGCCCCGGGCACACGCCGGCCCCCGCCGCCTGCCACCCTGCCTCCCGAGCCCGAG[C>A]CCGAGCCCGGCCCAAGGGCCTATGACCGCTTCCCCGGGGACTCACGGGACTACTCCACGG-3'
Protein context (NP_065846.1, residues 645-665): PPATLPPEPE[Pro655Thr]EPGPRAYDRF